The following is an entry in ClinVar:

NM_001040142.2(SCN2A):c.4552-14A>G

Gene: SCN2A (sodium voltage-gated channel alpha subunit 2; plus strand). Cytogenetic location: 2q24.3.
Variant type: single nucleotide variant.
Coding change: c.4552-14A>G on transcript NM_001040142.2 (MANE Select); 14 bases into the intron before coding-DNA position 4552, A replaced by G.
Molecular consequence: intron variant.
Genome position (GRCh38, 1-based): chr2:165,386,732, A>G. VCF-style: chr2-165386732-A-G. GRCh37 (hg19) VCF-style: chr2-166243242-A-G.
Other names: c.4552-14A>G (NM_001040143.2, NM_001371246.1, NM_001371247.1 and 1 more transcripts).
Identifiers: ClinVar variation 385476 (VCV000385476.10), dbSNP rs775130301, ClinGen allele CA1940302.

ClinVar aggregate classification (germline): Likely benign. Review status: criteria provided, multiple submitters, no conflicts (2 of 4 stars). 3 submissions from 3 submitters: Likely benign (3). Last evaluated 2024-04-25.

Conditions:
Developmental and epileptic encephalopathy, 11 (DEE11). Also called: Early infantile epileptic encephalopathy 11. Identifiers: Orphanet 1934, MedGen C3150987, MONDO:0013388, OMIM 613721.
Seizures, benign familial infantile, 3 (BFIS3). Also called: CONVULSIONS, BENIGN FAMILIAL INFANTILE, 3; Familial neonatal seizures. Identifiers: Orphanet 140927, Orphanet 306, MedGen C1843140, MONDO:0011904, OMIM 607745.

Allele frequency attached by ClinVar (database versions not stated): ExAC 0.00004; gnomAD exomes 0.00004 and 0.00008; TOPMed 0.00004.
gnomAD v4.1: 109 of 1,610,064 alleles (0.0068%); highest among the groups gnomAD compares: Non-Finnish European, 0.0089%; no homozygotes.

Submissions (3):

Labcorp Genetics (formerly Invitae), Labcorp
Classification: Likely benign for Seizures, benign familial infantile, 3; Developmental and epileptic encephalopathy, 11. Last evaluated: 2024-04-25. Review status: criteria provided, single submitter. Criteria: Invitae Variant Classification Sherloc (09022015). Collection method: clinical testing. Allele origin: germline.

Blueprint Genetics
Classification: Likely benign. Last evaluated: 2024-02-07. Review status: criteria provided, single submitter. Criteria: ACMG Guidelines, 2015. Collection method: clinical testing. Allele origin: germline.

GeneDx
Classification: Likely benign. Last evaluated: 2016-04-08. Review status: criteria provided, single submitter. Criteria: GeneDx Variant Classification (06012015). Collection method: clinical testing. Allele origin: germline. Affected: yes.
Comment: This variant is considered likely benign or benign based on one or more of the following criteria: it is a conservative change, it occurs at a poorly conserved position in the protein, it is predicted to be benign by multiple in silico algorithms, and/or has population frequency not consistent with disease.